The following is an entry in ClinVar:

ClinVar aggregate classification (germline): Pathogenic (1 of 4 stars; one submission).

Conditions:
Nemaline myopathy 2 (NEM2). Also called: Nemaline myopathy 2, autosomal recessive. Identifiers: MedGen C1850569, MONDO:0009725, OMIM 256030.

Submission:

Labcorp Genetics (formerly Invitae), Labcorp
Classification: Pathogenic for Nemaline myopathy 2. Last evaluated: 2025-10-29. Review status: criteria provided, single submitter. Criteria: Invitae Variant Classification Sherloc (09022015). Collection method: clinical testing. Allele origin: germline.
Comment: This sequence change creates a premature translational stop signal (p.Lys7569*) in the NEB gene. It is expected to result in an absent or disrupted protein product. Loss-of-function variants in NEB are known to be pathogenic (PMID: 25205138). This variant is not present in population databases (gnomAD no frequency). This variant has not been reported in the literature in individuals affected with NEB-related conditions. Algorithms developed to predict the effect of sequence changes on RNA splicing suggest that this variant may disrupt the consensus splice site. For these reasons, this variant has been classified as Pathogenic.

Literature cited by the submitters: PubMed 25205138.

NM_001164508.2(NEB):c.22600A>T (p.Lys7534Ter)

Genes: NEB (nebulin; minus strand), RIF1 (replication timing regulatory factor 1; plus strand). Cytogenetic location: 2q23.3.
Variant type: single nucleotide variant.
Coding change: c.22600A>T on transcript NM_001164508.2 (MANE Select); coding-DNA position 22600, A replaced by T.
Protein change: p.Lys7534Ter; replaces lysine 7534 with a stop codon.
Molecular consequence: nonsense.
Genome position (GRCh38, 1-based): chr2:151,519,060, T>A on the plus strand (A>T on the coding strand, the complement: NEB is on the minus strand). VCF-style: chr2-151519060-T-A. GRCh37 (hg19) VCF-style: chr2-152375574-T-A.
Other names: c.22600A>T, p.Lys7534Ter (NM_001164507.2); c.22705A>T, p.Lys7569Ter (NM_001271208.2); c.17497A>T, p.Lys5833Ter (NM_004543.5); short protein forms K5833*, K7534*, K7569*.
Identifiers: ClinVar variation 4729801 (VCV004729801.1).